The following is an entry in ClinVar:

NM_015294.6(TRIM37):c.21+6G>A

Gene: TRIM37 (tripartite motif containing 37; minus strand). Cytogenetic location: 17q22.
Variant type: single nucleotide variant.
Coding change: c.21+6G>A on transcript NM_015294.6 (MANE Select); 6 bases into the intron after coding-DNA position 21, G replaced by A.
Molecular consequence: intron variant.
Genome position (GRCh38, 1-based): chr17:59,106,435, C>T on the plus strand (G>A on the coding strand, the complement: TRIM37 is on the minus strand). VCF-style: chr17-59106435-C-T. GRCh37 (hg19) VCF-style: chr17-57183796-C-T.
Other names: c.21+6G>A (NM_001320989.3, NM_001005207.5, NM_001320987.3 and 4 more transcripts); c.-252+6G>A (NM_001353085.2); c.-732+6G>A (NM_001353083.2); c.-422+6G>A (NM_001320990.3).
Identifiers: ClinVar variation 1464848 (VCV001464848.6), dbSNP rs1376928473, ClinGen allele CA773591066.
Genomic context (GRCh38, chr17:59,106,435, plus strand): 5'-TCCCCGAATAAAAACCGCTCATCGGGTGGGGGCGGGGACTAACCACCACCCTCACAACCC[C>T]CTCACCTCCACGCTCTGTTCATCCATTGCCTCCGGCTCTCGGCGGGGCCGCTGGCGACCC-3'

ClinVar aggregate classification (germline): Uncertain significance (1 of 4 stars; one submission).

Allele frequency attached by ClinVar (database versions not stated): gnomAD exomes below 0.00001; TOPMed 0.00001; gnomAD 0.00002.

Submission:

Labcorp Genetics (formerly Invitae), Labcorp
Classification: Uncertain significance. Last evaluated: 2025-08-04. Review status: criteria provided, single submitter. Criteria: Invitae Variant Classification Sherloc (09022015). Collection method: clinical testing. Allele origin: germline.
Comment: This sequence change falls in intron 1 of the TRIM37 gene. It does not directly change the encoded amino acid sequence of the TRIM37 protein. It affects a nucleotide within the consensus splice site. This variant is not present in population databases (gnomAD no frequency). This variant has not been reported in the literature in individuals affected with TRIM37-related conditions. ClinVar contains an entry for this variant (Variation ID: 1464848). Variants that disrupt the consensus splice site are a relatively common cause of aberrant splicing (PMID: 17576681, 9536098). Algorithms developed to predict the effect of sequence changes on RNA splicing suggest that this variant is not likely to affect RNA splicing. In summary, the available evidence is currently insufficient to determine the role of this variant in disease. Therefore, it has been classified as a Variant of Uncertain Significance.

Literature cited by the submitters: PubMed 17576681; PubMed 9536098.